The following is an entry in ClinVar:

NM_198239.2(CCN6):c.641_642del (p.Thr214fs)

Gene: CCN6 (cellular communication network factor 6; plus strand). Cytogenetic location: 6q21.
Variant type: Deletion.
Coding change: c.641_642del on transcript NM_198239.2 (MANE Select); coding-DNA positions 641 to 642, 2 bases deleted (CA; older notation c.641_642delCA).
Protein change: p.Thr214fs; shifts the reading frame from threonine 214.
Molecular consequence: frameshift variant. On other transcripts: non-coding transcript variant (2).
Genome position (GRCh38, 1-based): chr6:112,068,256-112,068,257, CA deleted; deleting any 2 consecutive bases within chr6:112,068,255-112,068,257 gives the same sequence; the c. name uses the placement nearest the transcript's 3' end. VCF-style (leftmost placement, unchanged base first): chr6-112068254-AAC-A. GRCh37 (hg19) VCF-style: chr6-112389457-AAC-A.
Other names: c.641_642del, p.Thr214fs (NM_003880.4); short protein forms T214fs.
Identifiers: ClinVar variation 2860288 (VCV002860288.3), dbSNP rs1203195727, ClinGen allele CA817272478.
Genomic context (GRCh38, chr6:112,068,254, plus strand): 5'-CTTTGTTTTAGCTTATAGAAATCTCCCACTTATTTGGAAAAAAAAATGTCTTGTGCAAGC[AAC>A]AAAATGGACTCCCTGCTCCAGAACATGTGGGATGGGAATATCTAACAGGGTGACCAATGA-3'

ClinVar aggregate classification (germline): Pathogenic (1 of 4 stars; one submission).

Submission:

Labcorp Genetics (formerly Invitae), Labcorp
Classification: Pathogenic. Last evaluated: 2023-07-29. Review status: criteria provided, single submitter. Criteria: Invitae Variant Classification Sherloc (09022015). Collection method: clinical testing. Allele origin: germline.
Comment: For these reasons, this variant has been classified as Pathogenic. This variant has not been reported in the literature in individuals affected with WISP3-related conditions. This variant is not present in population databases (gnomAD no frequency). This sequence change creates a premature translational stop signal (p.Thr214Lysfs*15) in the WISP3 gene. It is expected to result in an absent or disrupted protein product. Loss-of-function variants in WISP3 are known to be pathogenic (PMID: 22791401).

Literature cited by the submitters: PubMed 22791401.